The following is an entry in ClinVar:

NM_001846.4(COL4A2):c.361-15T>A

Gene: COL4A2 (collagen type IV alpha 2 chain; plus strand). Cytogenetic location: 13q34.
Variant type: single nucleotide variant.
Coding change: c.361-15T>A on transcript NM_001846.4 (MANE Select); 15 bases into the intron before coding-DNA position 361, T replaced by A.
Molecular consequence: intron variant.
Genome position (GRCh38, 1-based): chr13:110,428,452, T>A. VCF-style: chr13-110428452-T-A. GRCh37 (hg19) VCF-style: chr13-111080799-T-A.
Identifiers: ClinVar variation 1941213 (VCV001941213.5), dbSNP rs971913771, ClinGen allele CA256281000.

ClinVar aggregate classification (germline): Uncertain significance (1 of 4 stars; one submission).

Allele frequency attached by ClinVar (database versions not stated): gnomAD exomes below 0.00001; TOPMed 0.00001.

Submission:

Labcorp Genetics (formerly Invitae), Labcorp
Classification: Uncertain significance. Last evaluated: 2022-05-21. Review status: criteria provided, single submitter. Criteria: Invitae Variant Classification Sherloc (09022015). Collection method: clinical testing. Allele origin: germline.
Comment: This sequence change falls in intron 6 of the COL4A2 gene. It does not directly change the encoded amino acid sequence of the COL4A2 protein. In summary, the available evidence is currently insufficient to determine the role of this variant in disease. Therefore, it has been classified as a Variant of Uncertain Significance. Algorithms developed to predict the effect of sequence changes on RNA splicing suggest that this variant may disrupt the consensus splice site. This variant has not been reported in the literature in individuals affected with COL4A2-related conditions. This variant is present in population databases (no rsID available, gnomAD 0.005%).